The following is an entry in ClinVar:

ClinVar aggregate classification (germline): Uncertain significance (1 of 4 stars; one submission).

Submission:

GeneDx
Classification: Uncertain significance. Last evaluated: 2016-11-11. Review status: criteria provided, single submitter. Criteria: GeneDx Variant Classification (06012015). Collection method: clinical testing. Allele origin: germline. Affected: yes.
Comment: The T51I variant in the DCAF8 gene has not been reported previously as a pathogenic variant, nor as a benign variant, to our knowledge. The T51I variant was not observed in approximately 6500 individuals of European and African American ancestry in the NHLBI Exome Sequencing Project, indicating it is not a common benign variant in these populations. The T51I variant is a non-conservative amino acid substitution, which is likely to impact secondary protein structure as these residues differ in polarity, charge, size and/or other properties. This substitution occurs at a position that is conserved across species and in silico analysis predicts this variant is probably damaging to the protein structure/function. We interpret T51I as a variant of uncertain significance.

NM_015726.4(DCAF8):c.152C>T (p.Thr51Ile)

Gene: DCAF8 (DDB1 and CUL4 associated factor 8; minus strand). Cytogenetic location: 1q23.2.
Variant type: single nucleotide variant.
Coding change: c.152C>T on transcript NM_015726.4 (MANE Select); coding-DNA position 152, C replaced by T.
Protein change: p.Thr51Ile; replaces threonine 51 with isoleucine.
Molecular consequence: missense variant. On other transcripts: non-coding transcript variant (4).
Genome position (GRCh38, 1-based): chr1:160,240,268, G>A on the plus strand (C>T on the coding strand, the complement: DCAF8 is on the minus strand). VCF-style: chr1-160240268-G-A. GRCh37 (hg19) VCF-style: chr1-160210058-G-A.
Other names: short protein forms T51I.
Identifiers: ClinVar variation 373149 (VCV000373149.1), dbSNP rs1057518253, ClinGen allele CA16042299.